The following is an entry in ClinVar:

NM_018406.7(MUC4):c.3051A>T (p.Val1017=)

Gene: MUC4 (mucin 4, cell surface associated). Cytogenetic location: 3q29.
Variant type: single nucleotide variant.
Coding change: c.3051A>T on transcript NM_018406.7 (MANE Select); coding-DNA position 3051, A replaced by T.
Protein change: p.Val1017=; no amino-acid change (valine 1017 retained).
Molecular consequence: synonymous variant. On other transcripts: intron variant (2).
Genome position (GRCh38, 1-based): chr3:195,788,529, T>A on the plus strand (A>T on the coding strand, the complement: MUC4 is on the minus strand). VCF-style: chr3-195788529-T-A. GRCh37 (hg19) VCF-style: chr3-195515400-T-A.
Other names: c.83-14224A>T (NM_138297.5); c.83-10074A>T (NM_004532.6).
Identifiers: ClinVar variation 4821593 (VCV004821593.4).

ClinVar aggregate classification (germline): Likely benign (1 of 4 stars; one submission).

Submission:

CeGaT Center for Human Genetics Tuebingen
Classification: Likely benign. Last evaluated: 2026-01-01. Review status: criteria provided, single submitter. Criteria: CeGaT Center For Human Genetics Tuebingen Variant Classification Criteria Version 2. Collection method: clinical testing. Allele origin: germline. Affected: yes. Observed: 1 variant allele.
Comment: MUC4: BP4, BP7